The following is an entry in ClinVar:

ClinVar aggregate classification (germline): Conflicting classifications of pathogenicity. Review status: criteria provided, conflicting classifications (1 of 4 stars). 5 submissions from 5 submitters: Uncertain significance (4); Benign (1). Last evaluated 2025-10-08.

Conditions:
Hereditary cancer-predisposing syndrome. Also called: Tumor predisposition; Hereditary neoplastic syndrome; Neoplastic Syndromes, Hereditary; Hereditary Cancer Syndrome. Identifiers: Orphanet 140162, MedGen C0027672, MeSH D009386, MONDO:0015356.
Fanconi anemia complementation group O. Also called: RAD51C-Related Fanconi Anemia. Identifiers: Orphanet 84, MedGen C3150653, MONDO:0013248, OMIM 613390.

Submissions (5):

Ambry Genetics
Classification: Benign for Hereditary cancer-predisposing syndrome. Last evaluated: 2025-10-08. Review status: criteria provided, single submitter. Criteria: Ambry Variant Classification Scheme 2023. Collection method: clinical testing. Allele origin: germline.

Labcorp Genetics (formerly Invitae), Labcorp
Classification: Uncertain significance for Fanconi anemia complementation group O. Last evaluated: 2024-07-02. Review status: criteria provided, single submitter. Criteria: Invitae Variant Classification Sherloc (09022015). Collection method: clinical testing. Allele origin: germline.
Comment: This sequence change replaces leucine, which is neutral and non-polar, with isoleucine, which is neutral and non-polar, at codon 376 of the RAD51C protein (p.Leu376Ile). This variant is not present in population databases (gnomAD no frequency). This variant has not been reported in the literature in individuals affected with RAD51C-related conditions. ClinVar contains an entry for this variant (Variation ID: 220706). An algorithm developed to predict the effect of missense changes on protein structure and function (PolyPhen-2) suggests that this variant is likely to be tolerated. In summary, the available evidence is currently insufficient to determine the role of this variant in disease. Therefore, it has been classified as a Variant of Uncertain Significance.

Sema4
Classification: Uncertain significance for Hereditary cancer-predisposing syndrome. Last evaluated: 2021-12-15. Review status: criteria provided, single submitter. Criteria: Sema4 Curation Guidelines. Collection method: curation. Allele origin: germline.
Comment: The RAD51C c.1126T>A (p.L376I) variant has not been reported in the literature to our knowledge. It was not observed in the large and broad cohorts of the Genome Aggregation Database. The variant has been reported in ClinVar (Variation ID: 220706). In silico tools suggest the impact of the variant on protein function is benign, though these predictions have not been confirmed by functional studies. The evidence is insufficient to meet ACMG/AMP criteria for classifying the variant as benign or pathogenic. Thus, the clinical significance of this variant is currently uncertain.

GeneDx
Classification: Uncertain significance. Last evaluated: 2021-01-11. Review status: criteria provided, single submitter. Criteria: GeneDx Variant Classification Process June 2021. Collection method: clinical testing. Allele origin: germline. Affected: yes.
Comment: Not observed in large population cohorts (Lek 2016); In silico analysis supports that this missense variant does not alter protein structure/function; Has not been previously published as pathogenic or benign to our knowledge

Color Diagnostics, LLC DBA Color Health
Classification: Uncertain significance for Hereditary cancer-predisposing syndrome. Last evaluated: 2019-05-01. Review status: criteria provided, single submitter. Criteria: ACMG Guidelines, 2015. Collection method: clinical testing. Allele origin: germline.

NM_058216.3(RAD51C):c.1126T>A (p.Leu376Ile)

Gene: RAD51C (RAD51 paralog C; plus strand). Cytogenetic location: 17q22.
Variant type: single nucleotide variant.
Coding change: c.1126T>A on transcript NM_058216.3 (MANE Select); coding-DNA position 1126, T replaced by A.
Protein change: p.Leu376Ile; replaces leucine 376 with isoleucine.
Molecular consequence: missense variant. On other transcripts: non-coding transcript variant (1).
Genome position (GRCh38, 1-based): chr17:58,734,217, T>A. VCF-style: chr17-58734217-T-A. GRCh37 (hg19) VCF-style: chr17-56811578-T-A.
Other names: short protein forms L376I.
Identifiers: ClinVar variation 220706 (VCV000220706.21), dbSNP rs864622632, ClinGen allele CA348741.
Genomic context (GRCh38, chr17:58,734,217, plus strand): 5'-TCATTGCAAACAGAAGGTTCCTTGAGCACCCGGAAACGGTCACGAGACCCAGAGGAAGAA[T>A]TATAACCCAGAAACAAATCTCAAAGTGTACAAATTTATTGATGTTGTGAAATCAATGTGT-3'
Protein context (NP_478123.1, residues 366-376): RKRSRDPEEE[Leu376Ile]